The following is an entry in ClinVar:

ClinVar aggregate classification (germline): Pathogenic (1 of 4 stars; one submission).

Submission:

Centre of Medical Genetics, University Hospital Muenster
Classification: Pathogenic. Last evaluated: 2023-03-28. Review status: criteria provided, single submitter. Criteria: ACMG Guidelines, 2015. Collection method: clinical testing. Allele origin: unknown. Affected: yes. Observed: 1 variant allele.
Comment: ACMG categories: PVS1,PM2,PP4

NM_004006.3(DMD):c.7474_7477dup (p.Ile2493fs)

Gene: DMD (dystrophin; minus strand). Cytogenetic location: Xp21.1.
Variant type: Duplication.
Coding change: c.7474_7477dup on transcript NM_004006.3 (MANE Select); coding-DNA positions 7474 to 7477, 4 bases duplicated (GTTA; older notation c.7474_7477dupGTTA).
Protein change: p.Ile2493fs; shifts the reading frame from isoleucine 2493.
Molecular consequence: frameshift variant.
Genome position (GRCh38, 1-based): chrX:31,774,025-31,774,028, TAAC duplicated on the plus strand (GTTA on the coding strand, the reverse complement: DMD is on the minus strand); duplicating any 4 consecutive bases within chrX:31,774,025-31,774,029 gives the same sequence; the c. name uses the placement nearest the transcript's 3' end. VCF-style (leftmost placement, unchanged base first): chrX-31774024-A-ATAAC. GRCh37 (hg19) VCF-style: chrX-31792141-A-ATAAC.
Other names: c.7450_7453dup, p.Ile2485fs (NM_000109.4); c.7462_7465dup, p.Ile2489fs (NM_004009.3); c.7105_7108dup, p.Ile2370fs (NM_004010.3); c.3451_3454dup, p.Ile1152fs (NM_004011.4); c.3442_3445dup, p.Ile1149fs (NM_004012.4); c.94_97dup, p.Ile33fs (NM_004013.3, NM_004020.4, NM_004021.3 and 2 more transcripts); short protein forms I1149fs, I1152fs, I2370fs, I2485fs, I2489fs, I2493fs, I33fs.
Identifiers: ClinVar variation 2504157 (VCV002504157.2), dbSNP rs2530838410, ClinGen allele CA2580616928.